The following is an entry in ClinVar:

ClinVar aggregate classification (germline): Uncertain significance (1 of 4 stars; one submission).

Conditions:
Familial adenomatous polyposis 1 (FAP1). Also called: FAMILIAL ADENOMATOUS POLYPOSIS 1, ATTENUATED; POLYPOSIS, ADENOMATOUS INTESTINAL. Identifiers: MedGen C2713442, MONDO:0021056, OMIM 175100. Disease mechanism: loss of function.

Submission:

Labcorp Genetics (formerly Invitae), Labcorp
Classification: Uncertain significance for Familial adenomatous polyposis 1. Last evaluated: 2018-09-05. Review status: criteria provided, single submitter. Criteria: Invitae Variant Classification Sherloc (09022015). Collection method: clinical testing. Allele origin: germline.
Comment: In summary, the available evidence is currently insufficient to determine the role of this variant in disease. Therefore, it has been classified as a Variant of Uncertain Significance. This variant is not present in population databases (ExAC no frequency). This sequence change replaces serine with threonine at codon 1931 of the APC protein (p.Ser1931Thr). The serine residue is moderately conserved and there is a small physicochemical difference between serine and threonine. Algorithms developed to predict the effect of missense changes on protein structure and function (SIFT, PolyPhen-2, Align-GVGD) all suggest that this variant is likely to be tolerated, but these predictions have not been confirmed by published functional studies and their clinical significance is uncertain. This variant has not been reported in the literature in individuals with APC-related disease.

NM_000038.6(APC):c.5791T>A (p.Ser1931Thr)

Gene: APC (APC regulator of Wnt signaling pathway; plus strand). Cytogenetic location: 5q22.2.
Variant type: single nucleotide variant.
Coding change: c.5791T>A on transcript NM_000038.6 (MANE Select); coding-DNA position 5791, T replaced by A.
Protein change: p.Ser1931Thr; replaces serine 1931 with threonine.
Molecular consequence: missense variant.
Genome position (GRCh38, 1-based): chr5:112,841,385, T>A. VCF-style: chr5-112841385-T-A. GRCh37 (hg19) VCF-style: chr5-112177082-T-A.
Other names: c.5791T>A, p.Ser1931Thr (NM_001127510.3, NM_001354895.2); c.5737T>A, p.Ser1913Thr (NM_001127511.3); c.5845T>A, p.Ser1949Thr (NM_001354896.2); c.5821T>A, p.Ser1941Thr (NM_001354897.2); c.5716T>A, p.Ser1906Thr (NM_001354898.2); c.5707T>A, p.Ser1903Thr (NM_001354899.2); c.5668T>A, p.Ser1890Thr (NM_001354900.2); c.5614T>A, p.Ser1872Thr (NM_001354901.2); and 5 more; short protein forms S1872T, S1890T, S1913T, S1949T, S1648T, S1771T, S1906T, S1931T.
Identifiers: ClinVar variation 661232 (VCV000661232.10), dbSNP rs1580663933, ClinGen allele CA16034002.